The following is an entry in ClinVar:

ClinVar aggregate classification (germline): Uncertain significance (1 of 4 stars; one submission).

Allele frequency attached by ClinVar (database versions not stated): ExAC 0.00002; gnomAD exomes 0.00001.
gnomAD v4.1: 8 of 1,613,682 alleles (0.0005%); highest among the groups gnomAD compares: Non-Finnish European, 0.00068%; no homozygotes.

Submission:

Labcorp Genetics (formerly Invitae), Labcorp
Classification: Uncertain significance. Last evaluated: 2023-11-09. Review status: criteria provided, single submitter. Criteria: Invitae Variant Classification Sherloc (09022015). Collection method: clinical testing. Allele origin: germline.
Comment: This sequence change replaces leucine, which is neutral and non-polar, with isoleucine, which is neutral and non-polar, at codon 474 of the DHX32 protein (p.Leu474Ile). This variant is present in population databases (rs750921125, gnomAD 0.005%). This variant has not been reported in the literature in individuals affected with DHX32-related conditions. An algorithm developed to predict the effect of missense changes on protein structure and function (PolyPhen-2) suggests that this variant is likely to be disruptive. In summary, the available evidence is currently insufficient to determine the role of this variant in disease. Therefore, it has been classified as a Variant of Uncertain Significance.

NM_018180.3(DHX32):c.1420C>A (p.Leu474Ile)

Genes: BCCIP (BRCA2 and CDKN1A interacting protein; plus strand), DHX32 (DEAH-box helicase 32 (putative); minus strand). Cytogenetic location: 10q26.2.
Variant type: single nucleotide variant.
Coding change: c.1420C>A on transcript NM_018180.3 (MANE Select); coding-DNA position 1420, C replaced by A.
Protein change: p.Leu474Ile; replaces leucine 474 with isoleucine.
Molecular consequence: missense variant. On other transcripts: 3 prime UTR variant (1), intron variant (1).
Genome position (GRCh38, 1-based): chr10:125,841,866, G>T on the plus strand (C>A on the coding strand, the complement: DHX32 is on the minus strand). VCF-style: chr10-125841866-G-T. GRCh37 (hg19) VCF-style: chr10-127530435-G-T.
Other names: c.*507G>T (NM_078469.3); c.850+536G>T (NM_016567.4); short protein forms L474I.
Identifiers: ClinVar variation 2904121 (VCV002904121.3), dbSNP rs750921125, ClinGen allele CA5739186.
Genomic context (GRCh38, chr10:125,841,866, plus strand): 5'-TAGACTTCGAGAGTTGTGGATCAAGAGGAAACTCTGACATGATGATTCCAAATTCAGAAA[G>T]ATTTCCATCATTATCCAGTGCTGCCAGATAATCTAAGTCTTCCAATGCCTGCATCAAACT-3'
Protein context (NP_060650.2, residues 464-484): YLAALDNDGN[Leu474Ile]SEFGIIMSEF